The following is an entry in ClinVar:

NM_001166108.2(PALLD):c.1965-12538G>A

Gene: PALLD (palladin, cytoskeletal associated protein; plus strand). Cytogenetic location: 4q32.3.
Variant type: single nucleotide variant.
Coding change: c.1965-12538G>A on transcript NM_001166108.2 (MANE Select); 12538 bases into the intron before coding-DNA position 1965, G replaced by A.
Molecular consequence: intron variant. On other transcripts: missense variant (1).
Genome position (GRCh38, 1-based): chr4:168,878,384, G>A. VCF-style: chr4-168878384-G-A. GRCh37 (hg19) VCF-style: chr4-169799535-G-A.
Other names: c.493G>A, p.Val165Ile (NM_001166110.2); c.1965-12538G>A (NM_016081.4); c.819-12538G>A (NM_001166109.2); c.-157-12538G>A (NM_001367570.1, NM_001367568.1, NM_001367567.1 and 1 more transcripts); short protein forms V165I.
Identifiers: ClinVar variation 3413713 (VCV003413713.1).
Genomic context (GRCh38, chr4:168,878,384, plus strand): 5'-GCTCTGCTGCCCTCGCAGCCGCCGCCGGCGGCCGTCAACGCCCTGGGGCTGCCCAAGGGT[G>A]TCACCCCCGCGTGAGTAACCGCCGCGGTCCTCCACTTCCCTGCCCCTCCGCCTCGGGTCG-3'

ClinVar aggregate classification (germline): Uncertain significance (1 of 4 stars; one submission).

Submission:

Ambry Genetics
Classification: Uncertain significance. Last evaluated: 2024-12-02. Review status: criteria provided, single submitter. Criteria: Ambry Variant Classification Scheme 2023. Collection method: clinical testing. Allele origin: germline.
Comment: The p.V165I variant (also known as c.493G>A), located in coding exon 1 of the PALLD gene, results from a G to A substitution at nucleotide position 493. The valine at codon 165 is replaced by isoleucine, an amino acid with highly similar properties. This amino acid position is conserved. In addition, this alteration is predicted to be tolerated by in silico analysis. Based on the available evidence, the clinical significance of this variant remains unclear.